The following is an entry in ClinVar:

ClinVar aggregate classification (germline): Uncertain significance (1 of 4 stars; one submission).

Conditions:
Cystinuria (CSNU). Also called: CYSTINURIA, TYPE I; CYSTINURIA, TYPE II; CYSTINURIA, TYPE III; Cystinuria, non-type I. Identifiers: Orphanet 214, MedGen C0010691, MONDO:0009067, OMIM 220100, HP:0003131.

Submission:

Victorian Clinical Genetics Services, Murdoch Childrens Research Institute
Classification: Uncertain significance for Cystinuria. Last evaluated: 2022-02-02. Review status: criteria provided, single submitter. Criteria: ACMG Guidelines, 2015. Collection method: clinical testing. Allele origin: germline. Affected: yes.
Comment: Based on the classification scheme VCGS_Germline_v1.3.4, this variant is classified as VUS-3B. Following criteria are met: 0102 - Loss of function is a known mechanism of disease in this gene and is associated with cystinuria (MIM#220100). (I) 0108 - This gene is associated with both recessive and dominant disease. Commonly associated with recessive inheritance, but monoallelic inheritance has been reported, mostly associated to the exon 5-9 duplication (PMID: 25964309). (I) 0200 - Variant is predicted to result in a missense amino acid change from glutamic acid to glutamine. (I) 0251 - This variant is heterozygous. (I) 0301 - Variant is absent from gnomAD (both v2 and v3). (SP) 0501 - Missense variant consistently predicted to be damaging by multiple in silico tools or highly conserved with a major amino acid change. (SP) 0600 - Variant is located in the annotated alpha amylase catalytic domain (DECIPHER, NCBI). Protein modelling showed that Glu482 likely forms a hydrogen bond with Tyr552, however it is uncertain whether variants affecting these residues impact protein function or not (PMID: 28812535). (I) 0710 - Other missense variant comparable to the one identified in this case has inconclusive previous evidence for pathogenicity. (I) 0807 - This variant has no previous evidence of pathogenicity. (I) 0905 - No published segregation evidence has been identified for this variant. (I) 1007 - No published functional evidence has been identified for this variant. (I) 1208 - Inheritance information for this variant is not currently available in this individual. (I) Legend: (SP) - Supporting pathogenic, (I) - Information, (SB) - Supporting benign

Literature cited by the submitters: PubMed 11748844; PubMed 25964309; PubMed 28812535.

NM_000341.4(SLC3A1):c.1444G>C (p.Glu482Gln)

Gene: SLC3A1 (solute carrier family 3 member 1; plus strand). Cytogenetic location: 2p21.
Variant type: single nucleotide variant.
Coding change: c.1444G>C on transcript NM_000341.4 (MANE Select); coding-DNA position 1444, G replaced by C.
Protein change: p.Glu482Gln; replaces glutamic acid 482 with glutamine.
Molecular consequence: missense variant.
Genome position (GRCh38, 1-based): chr2:44,312,697, G>C. VCF-style: chr2-44312697-G-C. GRCh37 (hg19) VCF-style: chr2-44539836-G-C.
Other names: short protein forms E482Q.
Identifiers: ClinVar variation 3376593 (VCV003376593.1).